The following is an entry in ClinVar:

NM_000059.4(BRCA2):c.2221G>A (p.Val741Ile)

Gene: BRCA2 (BRCA2 DNA repair associated; plus strand). Cytogenetic location: 13q13.1.
Variant type: single nucleotide variant.
Coding change: c.2221G>A on transcript NM_000059.4 (MANE Select); coding-DNA position 2221, G replaced by A.
Protein change: p.Val741Ile; replaces valine 741 with isoleucine.
Molecular consequence: missense variant.
Genome position (GRCh38, 1-based): chr13:32,336,576, G>A. VCF-style: chr13-32336576-G-A. GRCh37 (hg19) VCF-style: chr13-32910713-G-A.
Other names: c.2221G>A, p.Val741Ile (NM_001406719.1, NM_001406720.1); short protein forms V741I.
Identifiers: ClinVar variation 1787940 (VCV001787940.7), dbSNP rs80358493, ClinGen allele CA387770676.

ClinVar aggregate classification (germline): Conflicting classifications of pathogenicity. Review status: criteria provided, conflicting classifications (1 of 4 stars). 4 submissions from 4 submitters: Uncertain significance (3); Likely benign (1). Last evaluated 2024-07-02.

Conditions:
Hereditary cancer-predisposing syndrome. Also called: Tumor predisposition; Neoplastic Syndromes, Hereditary; Hereditary Cancer Syndrome; Hereditary neoplastic syndrome. Identifiers: Orphanet 140162, MedGen C0027672, MeSH D009386, MONDO:0015356.
Breast-ovarian cancer, familial, susceptibility to, 2 (BROVCA2). Also called: BRCA2 Hereditary Breast and Ovarian Cancer. Identifiers: Orphanet 145, MedGen C2675520, MONDO:0012933, OMIM 612555. Disease mechanism: loss of function.
Hereditary breast ovarian cancer syndrome. Also called: Breast and ovarian cancer; Hereditary breast and/or ovarian cancer syndrome; Hereditary breast and ovarian cancer; BRCA1- and BRCA2-Associated Hereditary Breast and Ovarian Cancer; Hereditary breast and ovarian cancer syndrome; Hereditary breast and ovarian cancer syndrome (HBOC). Identifiers: Orphanet 145, MedGen C0677776, MeSH D061325, MONDO:0003582. Disease mechanism: loss of function.

Allele frequency attached by ClinVar (database versions not stated): gnomAD exomes below 0.00001.
gnomAD v4.1: 1 of 1,614,002 alleles (0.000062%); highest among the groups gnomAD compares: Admixed American, 0.0017%; no homozygotes.

Submissions (4):

Labcorp Genetics (formerly Invitae), Labcorp
Classification: Uncertain significance for Hereditary breast ovarian cancer syndrome. Last evaluated: 2024-07-02. Review status: criteria provided, single submitter. Criteria: Invitae Variant Classification Sherloc (09022015). Collection method: clinical testing. Allele origin: germline.
Comment: This sequence change replaces valine, which is neutral and non-polar, with isoleucine, which is neutral and non-polar, at codon 741 of the BRCA2 protein (p.Val741Ile). This variant is present in population databases (no rsID available, gnomAD 0.003%). This missense change has been observed in individual(s) with a personal or family history of cancer (PMID: 29310832). ClinVar contains an entry for this variant (Variation ID: 1787940). Advanced modeling of protein sequence and biophysical properties (such as structural, functional, and spatial information, amino acid conservation, physicochemical variation, residue mobility, and thermodynamic stability) performed at Invitae indicates that this missense variant is not expected to disrupt BRCA2 protein function with a negative predictive value of 95%. In summary, the available evidence is currently insufficient to determine the role of this variant in disease. Therefore, it has been classified as a Variant of Uncertain Significance.

All of Us Research Program, National Institutes of Health
Classification: Uncertain significance for Breast-ovarian cancer, familial, susceptibility to, 2. Last evaluated: 2023-11-30. Review status: criteria provided, single submitter. Criteria: ACMG Guidelines, 2015. Collection method: clinical testing. Allele origin: germline. Inheritance: Autosomal dominant inheritance. Observed: 1 variant allele, 1 heterozygote.
Comment: This study involves interpretation of variants in research participants for the purpose of population health screening. Participant phenotype was not available at the time of variant classification. Additional details can be found in publication PMID: 35346344, PMCID: PMC8962531

University of Washington Department of Laboratory Medicine, University of Washington
Classification: Likely benign for Hereditary cancer-predisposing syndrome. Last evaluated: 2023-03-23. Review status: criteria provided, single submitter. Criteria: Dines et al. (Genet Med. 2020). Collection method: curation. Allele origin: germline.
Comment: Missense variant in a coldspot region where missense variants are very unlikely to be pathogenic (PMID:31911673).

BRCA2 exon 11 coldspot. Reclassification based on statistical prior probability.

Ambry Genetics
Classification: Uncertain significance for Hereditary cancer-predisposing syndrome. Last evaluated: 2022-10-18. Review status: criteria provided, single submitter. Criteria: Ambry Variant Classification Scheme 2023. Collection method: clinical testing. Allele origin: germline.
Comment: The p.V741I variant (also known as c.2221G>A), located in coding exon 10 of the BRCA2 gene, results from a G to A substitution at nucleotide position 2221. The valine at codon 741 is replaced by isoleucine, an amino acid with highly similar properties. This amino acid position is not well conserved in available vertebrate species. In addition, this alteration is predicted to be tolerated by in silico analysis. Since supporting evidence is limited at this time, the clinical significance of this alteration remains unclear.

Literature cited by the submitters: PubMed 29310832 (cited by Labcorp Genetics (formerly Invitae), Labcorp).